The following is an entry in ClinVar:

NM_003924.4(PHOX2B):c.475G>T (p.Ala159Ser)

Gene: PHOX2B (paired like homeobox 2B; minus strand). Cytogenetic location: 4p13.
Variant type: single nucleotide variant.
Coding change: c.475G>T on transcript NM_003924.4 (MANE Select); coding-DNA position 475, G replaced by T.
Protein change: p.Ala159Ser; replaces alanine 159 with serine.
Molecular consequence: missense variant.
Genome position (GRCh38, 1-based): chr4:41,746,277, C>A on the plus strand (G>T on the coding strand, the complement: PHOX2B is on the minus strand). VCF-style: chr4-41746277-C-A. GRCh37 (hg19) VCF-style: chr4-41748294-C-A.
Other names: short protein forms A159S.
Identifiers: ClinVar variation 1407735 (VCV001407735.12), dbSNP rs1162776926, ClinGen allele CA356738652.

ClinVar aggregate classification (germline): Uncertain significance. Review status: criteria provided, multiple submitters, no conflicts (2 of 4 stars). 4 submissions from 4 submitters: Uncertain significance (4). Last evaluated 2024-09-16.

Conditions:
Neuroblastoma, susceptibility to, 2. Identifiers: Orphanet 635, MedGen C2751682, MONDO:0700041, OMIM 613013.
Hereditary cancer-predisposing syndrome. Also called: Tumor predisposition; Hereditary neoplastic syndrome; Neoplastic Syndromes, Hereditary; Hereditary Cancer Syndrome. Identifiers: Orphanet 140162, MedGen C0027672, MeSH D009386, MONDO:0015356.
Haddad syndrome (OHD). Also called: Ondine-Hirschsprung disease. Identifiers: Orphanet 99803, MedGen C1859049, MONDO:0020493.

Allele frequency attached by ClinVar (database versions not stated): gnomAD exomes below 0.00001.
gnomAD v4.1: 2 of 1,613,880 alleles (0.00012%); highest among the groups gnomAD compares: Non-Finnish European, 0.00017%; no homozygotes.

Submissions (4):

Ambry Genetics
Classification: Uncertain significance for Hereditary cancer-predisposing syndrome. Last evaluated: 2024-09-16. Review status: criteria provided, single submitter. Criteria: Ambry Variant Classification Scheme 2023. Collection method: clinical testing. Allele origin: germline.
Comment: The p.A159S variant (also known as c.475G>T), located in coding exon 3 of the PHOX2B gene, results from a G to T substitution at nucleotide position 475. The alanine at codon 159 is replaced by serine, an amino acid with similar properties. This amino acid position is highly conserved in available vertebrate species. In addition, the in silico prediction for this alteration is inconclusive. Since supporting evidence is limited at this time, the clinical significance of this alteration remains unclear.

Baylor Genetics
Classification: Uncertain significance for Neuroblastoma, susceptibility to, 2. Last evaluated: 2023-12-11. Review status: criteria provided, single submitter. Criteria: ACMG Guidelines, 2015. Collection method: clinical testing. Allele origin: unknown.

Labcorp Genetics (formerly Invitae), Labcorp
Classification: Uncertain significance for Haddad syndrome. Last evaluated: 2023-11-11. Review status: criteria provided, single submitter. Criteria: Invitae Variant Classification Sherloc (09022015). Collection method: clinical testing. Allele origin: germline.
Comment: This sequence change replaces alanine, which is neutral and non-polar, with serine, which is neutral and polar, at codon 159 of the PHOX2B protein (p.Ala159Ser). The frequency data for this variant in the population databases is considered unreliable, as metrics indicate poor data quality at this position in the gnomAD database. This variant has not been reported in the literature in individuals affected with PHOX2B-related conditions. ClinVar contains an entry for this variant (Variation ID: 1407735). Advanced modeling of protein sequence and biophysical properties (such as structural, functional, and spatial information, amino acid conservation, physicochemical variation, residue mobility, and thermodynamic stability) performed at Invitae indicates that this missense variant is not expected to disrupt PHOX2B protein function with a negative predictive value of 80%. In summary, the available evidence is currently insufficient to determine the role of this variant in disease. Therefore, it has been classified as a Variant of Uncertain Significance.

Blueprint Genetics
Classification: Uncertain significance. Last evaluated: 2022-10-14. Review status: criteria provided, single submitter. Criteria: ACMG Guidelines, 2015. Collection method: clinical testing. Allele origin: germline.